The following is an entry in ClinVar:

ClinVar aggregate classification (germline): Uncertain significance (1 of 4 stars; one submission).

Conditions:
Duchenne muscular dystrophy (DMD). Also called: MUSCULAR DYSTROPHY, PSEUDOHYPERTROPHIC PROGRESSIVE, DUCHENNE TYPE; Duchenne Muscular Dystrophy (DMD). Identifiers: Orphanet 98896, MedGen C0013264, MONDO:0010679, OMIM 310200.

Submission:

Labcorp Genetics (formerly Invitae), Labcorp
Classification: Uncertain significance for Duchenne muscular dystrophy. Last evaluated: 2023-04-09. Review status: criteria provided, single submitter. Criteria: Invitae Variant Classification Sherloc (09022015). Collection method: clinical testing. Allele origin: germline.
Comment: In summary, the available evidence is currently insufficient to determine the role of this variant in disease. Therefore, it has been classified as a Variant of Uncertain Significance. Variants that disrupt the consensus splice site are a relatively common cause of aberrant splicing (PMID: 17576681, 9536098). Algorithms developed to predict the effect of sequence changes on RNA splicing suggest that this variant may disrupt the consensus splice site. This variant has not been reported in the literature in individuals affected with DMD-related conditions. This variant is not present in population databases (gnomAD no frequency). This sequence change falls in intron 5 of the DMD gene. It does not directly change the encoded amino acid sequence of the DMD protein. It affects a nucleotide within the consensus splice site.

Literature cited by the submitters: PubMed 17576681; PubMed 9536098.

NM_004006.3(DMD):c.357+1_357+2dup

Gene: DMD (dystrophin; minus strand). Cytogenetic location: Xp21.1.
Variant type: Duplication.
Coding change: c.357+1_357+2dup on transcript NM_004006.3 (MANE Select); the canonical splice donor site of the intron after coding-DNA position 357, 2 bases duplicated (GT; older notation c.357+1_357+2dupGT).
Molecular consequence: splice donor variant.
Genome position (GRCh38, 1-based): chrX:32,823,293-32,823,294, AC duplicated on the plus strand (GT on the coding strand, the reverse complement: DMD is on the minus strand). VCF-style (leftmost placement, unchanged base first): chrX-32823292-T-TAC. GRCh37 (hg19) VCF-style: chrX-32841409-T-TAC.
Other names: c.333+1_333+2dup (NM_000109.4); c.345+1_345+2dup (NM_004009.3); c.-13+1_-13+2dup (NM_004010.3).
Identifiers: ClinVar variation 2841028 (VCV002841028.3), dbSNP rs2524457567, ClinGen allele CA2739273503.